The following is an entry in ClinVar:

ClinVar aggregate classification (germline): Uncertain significance (1 of 4 stars; one submission).

Conditions:
FRAS1-related disorder. Also called: FRAS1-related condition.

gnomAD v4.1: 3 of 1,606,510 alleles (0.00019%); highest among the groups gnomAD compares: Admixed American, 0.0017%; no homozygotes.

Submission:

PreventionGenetics, part of Exact Sciences
Classification: Uncertain significance for FRAS1-related condition. Last evaluated: 2025-03-27. Review status: criteria provided, single submitter. Criteria: ACMG Guidelines, 2015. Collection method: clinical testing. Allele origin: germline.
Comment: The FRAS1 c.1223T>C variant is predicted to result in the amino acid substitution p.Val408Ala. To our knowledge, this variant has not been reported in the literature. This variant is reported in 0.0030% of alleles in individuals of Latino descent in gnomAD. At this time, the clinical significance of this variant is uncertain due to the absence of conclusive functional and genetic evidence.

NM_025074.7(FRAS1):c.1223T>C (p.Val408Ala)

Gene: FRAS1 (Fraser extracellular matrix complex subunit 1; plus strand). Cytogenetic location: 4q21.21.
Variant type: single nucleotide variant.
Coding change: c.1223T>C on transcript NM_025074.7 (MANE Select); coding-DNA position 1223, T replaced by C.
Protein change: p.Val408Ala; replaces valine 408 with alanine.
Molecular consequence: missense variant.
Genome position (GRCh38, 1-based): chr4:78,282,935, T>C. VCF-style: chr4-78282935-T-C. GRCh37 (hg19) VCF-style: chr4-79204089-T-C.
Other names: c.1223T>C, p.Val408Ala (NM_001166133.2); short protein forms V408A.
Identifiers: ClinVar variation 4987039 (VCV004987039.1).
Genomic context (GRCh38, chr4:78,282,935, plus strand): 5'-AGGTAACTTGCTACGAGCCCTCTTGCCCACCATGTCCAGTGGGCACACTGGCCTTAGAGG[T>C]GAAGGGACAGTGCTGTCCAGACTGCACATCAGGTGGGTCCATGTCTCCTCTGTTTCTACT-3'
Protein context (NP_079350.5, residues 398-418): PCPVGTLALE[Val408Ala]KGQCCPDCTS